The following is an entry in ClinVar:

ClinVar aggregate classification (germline): Benign. Review status: criteria provided, single submitter (1 of 4 stars). 2 submissions from 2 submitters: Benign (1). 1 of the submissions does not count toward it. Last evaluated 2026-01-06.

Conditions:
LRRK1-related disorder. Also called: LRRK1-related condition.

Allele frequency attached by ClinVar (database versions not stated): gnomAD 0.00031 and 0.00047; gnomAD exomes 0.00036 and 0.00090; TOPMed 0.00064; ExAC 0.00087; 1000 Genomes Project 0.00140; 1000 Genomes Project 30x 0.00141.
gnomAD v4.1: 612 of 1,614,030 alleles (0.038%); highest among the groups gnomAD compares: East Asian, 1.2%; 5 homozygotes.

Submissions (2):

Labcorp Genetics (formerly Invitae), Labcorp
Classification: Benign. Last evaluated: 2026-01-06. Review status: criteria provided, single submitter. Criteria: Invitae Variant Classification Sherloc (09022015). Collection method: clinical testing. Allele origin: germline.

PreventionGenetics, part of Exact Sciences
Classification: Benign for LRRK1-related condition. Last evaluated: 2019-04-01. Review status: no assertion criteria provided. Collection method: clinical testing. Allele origin: germline. Not counted in ClinVar's aggregate classification.
Comment: This variant is classified as benign based on ACMG/AMP sequence variant interpretation guidelines (Richards et al. 2015 PMID: 25741868, with internal and published modifications).

NM_024652.6(LRRK1):c.5573G>A (p.Ser1858Asn)

Genes: LRRK1 (leucine rich repeat kinase 1; plus strand), LRRK1-AS1 (LRRK1 antisense RNA 1; minus strand). Cytogenetic location: 15q26.3.
Variant type: single nucleotide variant.
Coding change: c.5573G>A on transcript NM_024652.6 (MANE Select); coding-DNA position 5573, G replaced by A.
Protein change: p.Ser1858Asn; replaces serine 1858 with asparagine.
Molecular consequence: missense variant.
Genome position (GRCh38, 1-based): chr15:101,066,010, G>A. VCF-style: chr15-101066010-G-A. GRCh37 (hg19) VCF-style: chr15-101606215-G-A.
Other names: c.5573G>A (NM_024652.5); short protein forms S1858N.
Identifiers: ClinVar variation 1668201 (VCV001668201.10), dbSNP rs34874770, ClinGen allele CA7762174.
Genomic context (GRCh38, chr15:101,066,010, plus strand): 5'-ACTGCTCCATGTCCTCCTACTCCTCATCCCCACCCCGCCAGGCTGCCAGGTCCCCCTCAA[G>A]CCTCCCCAGCTCCCCAGCAAGTTCTTCCAGTGTGCCTTTCTCCACCGACTGCGAGGACTC-3'
Protein context (NP_078928.3, residues 1848-1868): PPRQAARSPS[Ser1858Asn]LPSSPASSSS